The following is an entry in ClinVar:

ClinVar aggregate classification (germline): Conflicting classifications of pathogenicity. Review status: criteria provided, conflicting classifications (1 of 4 stars). 5 submissions from 5 submitters: Uncertain significance (4); Likely benign (1). Last evaluated 2025-10-07.

Conditions:
Hereditary cancer-predisposing syndrome. Also called: Hereditary neoplastic syndrome; Neoplastic Syndromes, Hereditary; Tumor predisposition; Hereditary Cancer Syndrome. Identifiers: Orphanet 140162, MedGen C0027672, MeSH D009386, MONDO:0015356.
Hereditary breast ovarian cancer syndrome. Also called: Hereditary breast and/or ovarian cancer syndrome; BRCA1- and BRCA2-Associated Hereditary Breast and Ovarian Cancer; Hereditary breast and ovarian cancer; Breast and ovarian cancer; Hereditary breast and ovarian cancer syndrome; Hereditary breast and ovarian cancer syndrome (HBOC). Identifiers: Orphanet 145, MedGen C0677776, MeSH D061325, MONDO:0003582. Disease mechanism: loss of function.
Breast-ovarian cancer, familial, susceptibility to, 2 (BROVCA2). Also called: BRCA2 Hereditary Breast and Ovarian Cancer. Identifiers: Orphanet 145, MedGen C2675520, MONDO:0012933, OMIM 612555. Disease mechanism: loss of function.

Allele frequency attached by ClinVar (database versions not stated): gnomAD exomes below 0.00001.
gnomAD v4.1: 2 of 1,596,448 alleles (0.00013%); highest among the groups gnomAD compares: South Asian, 0.0012%; no homozygotes.

Submissions (5):

Labcorp Genetics (formerly Invitae), Labcorp
Classification: Uncertain significance for Hereditary breast ovarian cancer syndrome. Last evaluated: 2025-10-07. Review status: criteria provided, single submitter. Criteria: Invitae Variant Classification Sherloc (09022015). Collection method: clinical testing. Allele origin: germline.
Comment: This sequence change replaces lysine, which is basic and polar, with glutamic acid, which is acidic and polar, at codon 513 of the BRCA2 protein (p.Lys513Glu). This variant is not present in population databases (gnomAD no frequency). This variant has not been reported in the literature in individuals affected with BRCA2-related conditions. ClinVar contains an entry for this variant (Variation ID: 462237). Invitae Evidence Modeling of protein sequence and biophysical properties (such as structural, functional, and spatial information, amino acid conservation, physicochemical variation, residue mobility, and thermodynamic stability) indicates that this missense variant is not expected to disrupt BRCA2 protein function with a negative predictive value of 95%. In summary, the available evidence is currently insufficient to determine the role of this variant in disease. Therefore, it has been classified as a Variant of Uncertain Significance.

Color Diagnostics, LLC DBA Color Health
Classification: Uncertain significance for Hereditary cancer-predisposing syndrome. Last evaluated: 2025-03-17. Review status: criteria provided, single submitter. Criteria: ACMG Guidelines, 2015. Collection method: clinical testing. Allele origin: germline.
Comment: This missense variant replaces lysine with glutamic acid at codon 513 of the BRCA2 protein. Computational prediction suggests that this variant may not impact protein structure and function. To our knowledge, functional studies have not been reported for this variant. This variant has not been reported in individuals affected with BRCA2-related disorders in the literature. This variant has not been identified in the general population by the Genome Aggregation Database (gnomAD). The available evidence is insufficient to determine the role of this variant in disease conclusively. Therefore, this variant is classified as a Variant of Uncertain Significance.

Ambry Genetics
Classification: Uncertain significance for Hereditary cancer-predisposing syndrome. Last evaluated: 2023-11-04. Review status: criteria provided, single submitter. Criteria: Ambry Variant Classification Scheme 2023. Collection method: clinical testing. Allele origin: germline.
Comment: The p.K513E variant (also known as c.1537A>G), located in coding exon 9 of the BRCA2 gene, results from an A to G substitution at nucleotide position 1537. The lysine at codon 513 is replaced by glutamic acid, an amino acid with similar properties. This amino acid position is not well conserved in available vertebrate species, and glutamic acid (E) is the reference amino acid in most other vertebrate species. In addition, this alteration is predicted to be tolerated by in silico analysis. Since supporting evidence is limited at this time, the clinical significance of this alteration remains unclear.

All of Us Research Program, National Institutes of Health
Classification: Uncertain significance for Breast-ovarian cancer, familial, susceptibility to, 2. Last evaluated: 2023-06-08. Review status: criteria provided, single submitter. Criteria: ACMG Guidelines, 2015. Collection method: clinical testing. Allele origin: germline. Inheritance: Autosomal dominant inheritance. Observed: 2 variant alleles, 2 heterozygotes.
Comment: This missense variant replaces lysine with glutamic acid at codon 513 of the BRCA2 protein. Computational prediction suggests that this variant may not impact protein structure and function (internally defined REVEL score threshold <= 0.5, PMID: 27666373). To our knowledge, functional studies have not been reported for this variant. This variant has not been reported in individuals affected with BRCA2-related disorders in the literature. This variant has not been identified in the general population by the Genome Aggregation Database (gnomAD). The available evidence is insufficient to determine the role of this variant in disease conclusively. Therefore, this variant is classified as a Variant of Uncertain Significance.

This study involves interpretation of variants in research participants for the purpose of population health screening. Participant phenotype was not available at the time of variant classification. Additional details can be found in publication PMID: 35346344, PMCID: PMC8962531

University of Washington Department of Laboratory Medicine, University of Washington
Classification: Likely benign for Hereditary cancer-predisposing syndrome. Last evaluated: 2023-03-23. Review status: criteria provided, single submitter. Criteria: Dines et al. (Genet Med. 2020). Collection method: curation. Allele origin: germline.
Comment: Missense variant in a coldspot region where missense variants are very unlikely to be pathogenic (PMID:31911673).

BRCA2 exon 10 coldspot. Reclassification based on statistical prior probability.

NM_000059.4(BRCA2):c.1537A>G (p.Lys513Glu)

Gene: BRCA2 (BRCA2 DNA repair associated; plus strand). Cytogenetic location: 13q13.1.
Variant type: single nucleotide variant.
Coding change: c.1537A>G on transcript NM_000059.4 (MANE Select); coding-DNA position 1537, A replaced by G.
Protein change: p.Lys513Glu; replaces lysine 513 with glutamic acid.
Molecular consequence: missense variant.
Genome position (GRCh38, 1-based): chr13:32,333,015, A>G. VCF-style: chr13-32333015-A-G. GRCh37 (hg19) VCF-style: chr13-32907152-A-G.
Other names: short protein forms K513E.
Identifiers: ClinVar variation 462237 (VCV000462237.19), dbSNP rs1555281938, ClinGen allele CA387764611.